The following is an entry in ClinVar:

ClinVar aggregate classification (germline): Conflicting classifications of pathogenicity. Review status: criteria provided, conflicting classifications (1 of 4 stars). 2 submissions from 2 submitters: Uncertain significance (1); Likely benign (1). Last evaluated 2024-06-02.

Conditions:
Familial cancer of breast. Also called: BREAST CANCER, FAMILIAL; Hereditary breast cancer; hereditary breast carcinoma. Identifiers: Orphanet 227535, MedGen C0346153, MONDO:0016419, OMIM 114480. Disease mechanism: loss of function.
Hereditary cancer-predisposing syndrome. Also called: Hereditary Cancer Syndrome; Tumor predisposition; Hereditary neoplastic syndrome; Neoplastic Syndromes, Hereditary. Identifiers: Orphanet 140162, MedGen C0027672, MeSH D009386, MONDO:0015356.

Submissions (2):

Labcorp Genetics (formerly Invitae), Labcorp
Classification: Uncertain significance for Familial cancer of breast. Last evaluated: 2024-06-02. Review status: criteria provided, single submitter. Criteria: Invitae Variant Classification Sherloc (09022015). Collection method: clinical testing. Allele origin: germline.
Comment: This sequence change replaces glutamic acid, which is acidic and polar, with glycine, which is neutral and non-polar, at codon 317 of the BARD1 protein (p.Glu317Gly). This variant is not present in population databases (gnomAD no frequency). This variant has not been reported in the literature in individuals affected with BARD1-related conditions. Algorithms developed to predict the effect of missense changes on protein structure and function output the following: SIFT: "Not Available"; PolyPhen-2: "Benign"; Align-GVGD: "Not Available". The glycine amino acid residue is found in multiple mammalian species, which suggests that this missense change does not adversely affect protein function. In summary, the available evidence is currently insufficient to determine the role of this variant in disease. Therefore, it has been classified as a Variant of Uncertain Significance.

Ambry Genetics
Classification: Likely benign for Hereditary cancer-predisposing syndrome. Last evaluated: 2024-04-17. Review status: criteria provided, single submitter. Criteria: Ambry Variant Classification Scheme 2023. Collection method: clinical testing. Allele origin: germline.

NM_000465.4(BARD1):c.950A>G (p.Glu317Gly)

Gene: BARD1 (BRCA1 associated RING domain 1; minus strand). Cytogenetic location: 2q35.
Variant type: single nucleotide variant.
Coding change: c.950A>G on transcript NM_000465.4 (MANE Select); coding-DNA position 950, A replaced by G.
Protein change: p.Glu317Gly; replaces glutamic acid 317 with glycine.
Molecular consequence: missense variant. On other transcripts: non-coding transcript variant (2), intron variant (3).
Genome position (GRCh38, 1-based): chr2:214,780,924, T>C on the plus strand (A>G on the coding strand, the complement: BARD1 is on the minus strand). VCF-style: chr2-214780924-T-C. GRCh37 (hg19) VCF-style: chr2-215645648-T-C.
Other names: c.893A>G, p.Glu298Gly (NM_001282543.2); c.159-28369A>G (NM_001282548.2); c.215+16137A>G (NM_001282545.2); c.364+11373A>G (NM_001282549.2); short protein forms E298G, E317G.
Identifiers: ClinVar variation 3260415 (VCV003260415.3).